The following is an entry in ClinVar:

NM_001012301.4(ARSI):c.1063G>A (p.Val355Met)

Gene: ARSI (arylsulfatase family member I; minus strand). Cytogenetic location: 5q32.
Variant type: single nucleotide variant.
Coding change: c.1063G>A on transcript NM_001012301.4 (MANE Select); coding-DNA position 1063, G replaced by A.
Protein change: p.Val355Met; replaces valine 355 with methionine.
Molecular consequence: missense variant.
Genome position (GRCh38, 1-based): chr5:150,297,861, C>T on the plus strand (G>A on the coding strand, the complement: ARSI is on the minus strand). VCF-style: chr5-150297861-C-T. GRCh37 (hg19) VCF-style: chr5-149677424-C-T.
Other names: short protein forms V355M.
Identifiers: ClinVar variation 1975547 (VCV001975547.5), dbSNP rs375263762, ClinGen allele CA3510175.

ClinVar aggregate classification (germline): Uncertain significance (1 of 4 stars; one submission).

Conditions:
Spastic paraplegia. Identifiers: MedGen C0037772, HP:0001258.

Allele frequency attached by ClinVar (database versions not stated): TOPMed 0.00005; gnomAD 0.00006; ExAC 0.00007; gnomAD exomes 0.00007; ESP Exome Variant Server 0.00008.

Submission:

Labcorp Genetics (formerly Invitae), Labcorp
Classification: Uncertain significance for Spastic paraplegia. Last evaluated: 2022-05-15. Review status: criteria provided, single submitter. Criteria: Invitae Variant Classification Sherloc (09022015). Collection method: clinical testing. Allele origin: germline.
Comment: This variant has not been reported in the literature in individuals affected with ARSI-related conditions. This variant is present in population databases (rs375263762, gnomAD 0.03%). This sequence change replaces valine, which is neutral and non-polar, with methionine, which is neutral and non-polar, at codon 355 of the ARSI protein (p.Val355Met). Algorithms developed to predict the effect of missense changes on protein structure and function are either unavailable or do not agree on the potential impact of this missense change (SIFT: "Deleterious"; PolyPhen-2: "Possibly Damaging"; Align-GVGD: "Class C0"). In summary, the available evidence is currently insufficient to determine the role of this variant in disease. Therefore, it has been classified as a Variant of Uncertain Significance.